The following is an entry in ClinVar:

ClinVar aggregate classification (germline): Uncertain significance (1 of 4 stars; one submission).

Conditions:
Hereditary cancer-predisposing syndrome. Also called: Neoplastic Syndromes, Hereditary; Tumor predisposition; Hereditary Cancer Syndrome; Hereditary neoplastic syndrome. Identifiers: Orphanet 140162, MedGen C0027672, MeSH D009386, MONDO:0015356.

Submission:

Color Diagnostics, LLC DBA Color Health
Classification: Uncertain significance for Hereditary cancer-predisposing syndrome. Last evaluated: 2023-01-09. Review status: criteria provided, single submitter. Criteria: ACMG Guidelines, 2015. Collection method: clinical testing. Allele origin: germline.
Comment: This missense variant replaces serine with threonine at codon 159 of the BMPR1A protein. Computational prediction suggests that this variant may not impact protein structure and function (internally defined REVEL score threshold <= 0.5, PMID: 27666373). To our knowledge, functional studies have not been reported for this variant. This variant has not been reported in individuals affected with BMPR1A-related disorders in the literature. This variant has not been identified in the general population by the Genome Aggregation Database (gnomAD). The available evidence is insufficient to determine the role of this variant in disease conclusively. Therefore, this variant is classified as a Variant of Uncertain Significance.

NM_004329.3(BMPR1A):c.475T>A (p.Ser159Thr)

Gene: BMPR1A (bone morphogenetic protein receptor type 1A; plus strand). Cytogenetic location: 10q23.2.
Variant type: single nucleotide variant.
Coding change: c.475T>A on transcript NM_004329.3 (MANE Select); coding-DNA position 475, T replaced by A.
Protein change: p.Ser159Thr; replaces serine 159 with threonine.
Molecular consequence: missense variant. On other transcripts: non-coding transcript variant (3), intron variant (1).
Genome position (GRCh38, 1-based): chr10:86,900,071, T>A. VCF-style: chr10-86900071-T-A. GRCh37 (hg19) VCF-style: chr10-88659828-T-A.
Other names: c.475T>A, p.Ser159Thr (NM_001406559.1, NM_001406560.1, NM_001406561.1 and 22 more transcripts); c.391T>A, p.Ser131Thr (NM_001406584.1, NM_001406585.1, NM_001406586.1 and 2 more transcripts); c.333+7842T>A (NM_001406589.1); short protein forms S131T, S159T.
Identifiers: ClinVar variation 2774805 (VCV002774805.2), dbSNP rs767157505, ClinGen allele CA377450369.